The following is an entry in ClinVar:

NM_020745.4(AARS2):c.2607G>A (p.Lys869=)

Gene: AARS2 (alanyl-tRNA synthetase 2, mitochondrial; minus strand). Cytogenetic location: 6p21.1.
Variant type: single nucleotide variant.
Coding change: c.2607G>A on transcript NM_020745.4 (MANE Select); coding-DNA position 2607, G replaced by A.
Protein change: p.Lys869=; no amino-acid change (lysine 869 retained).
Molecular consequence: synonymous variant.
Genome position (GRCh38, 1-based): chr6:44,301,456, C>T on the plus strand (G>A on the coding strand, the complement: AARS2 is on the minus strand). VCF-style: chr6-44301456-C-T. GRCh37 (hg19) VCF-style: chr6-44269193-C-T.
Other names: c.2607G>A (NM_020745.2).
Identifiers: ClinVar variation 357059 (VCV000357059.23), dbSNP rs498512, ClinGen allele CA3833904.
Genomic context (GRCh38, chr6:44,301,456, plus strand): 5'-AGAGACTGTGTCCACAATCAGAGGCCCCTTCGAGTGCCGCTCCAGCAGCTCCTGAGTTTT[C>T]TTTGCAGCCTATGGGGCAGGAAGGACAAGCAGAGGGGTCAGGCTGAGAGGCAGGTTTCCA-3'
Protein context (NP_065796.2, residues 859-879): IRKLQMGQAA[Lys869=]KTQELLERHS

ClinVar aggregate classification (germline): Benign. Review status: criteria provided, multiple submitters, no conflicts (2 of 4 stars). 8 submissions from 7 submitters: Benign (7). 1 of the submissions does not count toward it. Last evaluated 2026-02-03.

Conditions:
Leukoencephalopathy, progressive, with ovarian failure (LKENP). Identifiers: Orphanet 99853, MedGen C4014588, MONDO:0014387, OMIM 615889.
Combined oxidative phosphorylation defect type 8. Also called: CARDIOMYOPATHY, HYPERTROPHIC MITOCHONDRIAL, FATAL INFANTILE. Identifiers: Orphanet 319504, MedGen C4518839, MONDO:0013570, OMIM 614096.

Allele frequency attached by ClinVar (database versions not stated): 1000 Genomes Project 0.58267; 1000 Genomes Project 30x 0.58869; TOPMed 0.66730; gnomAD 0.67210 and 0.67400; ESP Exome Variant Server 0.67899; ExAC 0.70150; gnomAD exomes 0.70624 and 0.74138.
gnomAD v4.1: 1,183,418 of 1,612,370 alleles (73%); highest among the groups gnomAD compares: Admixed American, 78%; 439,527 homozygotes.

Submissions (8):

Labcorp Genetics (formerly Invitae), Labcorp
Classification: Benign. Last evaluated: 2026-02-03. Review status: criteria provided, single submitter. Criteria: Invitae Variant Classification Sherloc (09022015). Collection method: clinical testing. Allele origin: germline.

Molecular Diagnostic Laboratory for Inherited Cardiovascular Disease, Montreal Heart Institute
Classification: Benign. Last evaluated: 2025-04-09. Review status: criteria provided, single submitter. Criteria: ACMG Guidelines, 2015. Collection method: clinical testing. Allele origin: germline. Affected: no.

Genome-Nilou Lab
Classification: Benign for Combined oxidative phosphorylation defect type 8. Last evaluated: 2021-07-14. Review status: criteria provided, single submitter. Criteria: ACMG Guidelines, 2015. Collection method: clinical testing. Allele origin: germline. Affected: no.

Genome-Nilou Lab
Classification: Benign for Leukoencephalopathy, progressive, with ovarian failure. Last evaluated: 2021-07-14. Review status: criteria provided, single submitter. Criteria: ACMG Guidelines, 2015. Collection method: clinical testing. Allele origin: germline. Affected: no.

Mendelics
Classification: Benign for Combined oxidative phosphorylation defect type 8. Last evaluated: 2019-05-28. Review status: criteria provided, single submitter. Criteria: Mendelics Assertion Criteria 2017. Collection method: clinical testing. Allele origin: unknown.

Illumina Laboratory Services, Illumina
Classification: Benign for Combined oxidative phosphorylation defect type 8. Last evaluated: 2018-01-13. Review status: criteria provided, single submitter. Criteria: ICSL Variant Classification Criteria 13 December 2019. Collection method: clinical testing. Allele origin: germline.
Comment: This variant was observed in the ICSL laboratory as part of a predisposition screen in an ostensibly healthy population. It had not been previously curated by ICSL or reported in the Human Gene Mutation Database (HGMD: prior to June 1st, 2018), and was therefore a candidate for classification through an automated scoring system. Utilizing variant allele frequency, disease prevalence and penetrance estimates, and inheritance mode, an automated score was calculated to assess if this variant is too frequent to cause the disease. Based on the score and internal cut-off values, a variant classified as benign is not then subjected to further curation. The score for this variant resulted in a classification of benign for this disease.

GeneDx
Classification: Benign. Last evaluated: 2015-03-03. Review status: criteria provided, single submitter. Criteria: GeneDx Variant Classification Process June 2021. Collection method: clinical testing. Allele origin: germline. Affected: yes.

Mayo Clinic Laboratories, Mayo Clinic
Classification: Benign. Last evaluated: 2016-02-11. Review status: no assertion criteria provided. Collection method: clinical testing. Allele origin: unknown. Not counted in ClinVar's aggregate classification.